The following is an entry in ClinVar:

ClinVar aggregate classification (germline): Uncertain significance (1 of 4 stars; one submission).

Conditions:
Familial cancer of breast. Also called: hereditary breast carcinoma; Hereditary breast cancer; BREAST CANCER, FAMILIAL. Identifiers: Orphanet 227535, MedGen C0346153, MONDO:0016419, OMIM 114480. Disease mechanism: loss of function.

Allele frequency attached by ClinVar (database versions not stated): gnomAD 0.00005.
gnomAD v4.1: 8 of 152,178 alleles (0.0053%); highest among the groups gnomAD compares: African/African-American, 0.019%; no homozygotes.

Submission:

Labcorp Genetics (formerly Invitae), Labcorp
Classification: Uncertain significance for Familial cancer of breast. Last evaluated: 2023-05-27. Review status: criteria provided, single submitter. Criteria: Invitae Variant Classification Sherloc (09022015). Collection method: clinical testing. Allele origin: germline.
Comment: This sequence change falls in intron 4 of the BARD1 gene. It does not directly change the encoded amino acid sequence of the BARD1 protein. This variant is present in population databases (no rsID available, gnomAD 0.02%). This variant has not been reported in the literature in individuals affected with BARD1-related conditions. Studies have shown that this variant is associated with altered splicing resulting in unknown protein product impact (Invitae). In summary, the available evidence is currently insufficient to determine the role of this variant in disease. Therefore, it has been classified as a Variant of Uncertain Significance.

NM_000465.4(BARD1):c.1315-4405C>T

Gene: BARD1 (BRCA1 associated RING domain 1; minus strand). Cytogenetic location: 2q35.
Variant type: single nucleotide variant.
Coding change: c.1315-4405C>T on transcript NM_000465.4 (MANE Select); 4405 bases into the intron before coding-DNA position 1315, C replaced by T.
Molecular consequence: intron variant.
Genome position (GRCh38, 1-based): chr2:214,773,717, G>A on the plus strand (C>T on the coding strand, the complement: BARD1 is on the minus strand). VCF-style: chr2-214773717-G-A. GRCh37 (hg19) VCF-style: chr2-215638441-G-A.
Other names: c.159-21162C>T (NM_001282548.2); c.1258-4405C>T (NM_001282543.2); c.216-21162C>T (NM_001282545.2); c.364+18580C>T (NM_001282549.2).
Identifiers: ClinVar variation 2742734 (VCV002742734.3), dbSNP rs1045895776, ClinGen allele CA64784031.